The following is an entry in ClinVar:

ClinVar aggregate classification (germline): Conflicting classifications of pathogenicity. Review status: criteria provided, conflicting classifications (1 of 4 stars). 3 submissions from 3 submitters: Uncertain significance (2); Likely benign (1). Last evaluated 2025-11-20.

Conditions:
Inborn genetic diseases. Identifiers: MedGen C0950123, MeSH D030342.

Allele frequency attached by ClinVar (database versions not stated): gnomAD exomes below 0.00001 and 0.00001; TOPMed below 0.00001; gnomAD 0.00001 and 0.00002; ExAC 0.00003; ESP Exome Variant Server 0.00008; 1000 Genomes Project 30x 0.00016; 1000 Genomes Project 0.00020.
gnomAD v4.1: 6 of 1,614,120 alleles (0.00037%); highest among the groups gnomAD compares: East Asian, 0.013%; no homozygotes.

Submissions (3):

Ambry Genetics
Classification: Uncertain significance for Inborn genetic diseases. Last evaluated: 2025-11-20. Review status: criteria provided, single submitter. Criteria: Ambry Variant Classification Scheme 2023. Collection method: clinical testing. Allele origin: germline.

Labcorp Genetics (formerly Invitae), Labcorp
Classification: Uncertain significance. Last evaluated: 2024-08-29. Review status: criteria provided, single submitter. Criteria: Invitae Variant Classification Sherloc (09022015). Collection method: clinical testing. Allele origin: germline.
Comment: This sequence change replaces methionine, which is neutral and non-polar, with valine, which is neutral and non-polar, at codon 2304 of the VCAN protein (p.Met2304Val). The frequency data for this variant in the population databases is considered unreliable, as metrics indicate poor data quality at this position in the gnomAD database. This variant has not been reported in the literature in individuals affected with VCAN-related conditions. ClinVar contains an entry for this variant (Variation ID: 1388344). An algorithm developed to predict the effect of missense changes on protein structure and function outputs the following: PolyPhen-2: "Benign". The valine amino acid residue is found in multiple mammalian species, which suggests that this missense change does not adversely affect protein function. In summary, the available evidence is currently insufficient to determine the role of this variant in disease. Therefore, it has been classified as a Variant of Uncertain Significance.

Blueprint Genetics
Classification: Likely benign. Last evaluated: 2019-10-07. Review status: criteria provided, single submitter. Criteria: ACMG Guidelines, 2015. Collection method: clinical testing. Allele origin: germline.

NM_004385.5(VCAN):c.6910A>G (p.Met2304Val)

Genes: VCAN (versican; plus strand), VCAN-AS1 (VCAN antisense RNA 1; minus strand). Cytogenetic location: 5q14.3.
Variant type: single nucleotide variant.
Coding change: c.6910A>G on transcript NM_004385.5 (MANE Select); coding-DNA position 6910, A replaced by G.
Protein change: p.Met2304Val; replaces methionine 2304 with valine.
Molecular consequence: missense variant. On other transcripts: intron variant (2).
Genome position (GRCh38, 1-based): chr5:83,539,913, A>G. VCF-style: chr5-83539913-A-G. GRCh37 (hg19) VCF-style: chr5-82835732-A-G.
Other names: c.3949A>G, p.Met1317Val (NM_001164097.2); c.4004-5624A>G (NM_001164098.2); c.1043-5624A>G (NM_001126336.3); c.6910A>G (NM_004385.4); short protein forms M1317V, M2304V.
Identifiers: ClinVar variation 1388344 (VCV001388344.8), dbSNP rs370884649, ClinGen allele CA3333546.